The following is an entry in ClinVar:

NM_018489.3(ASH1L):c.6759T>C (p.Tyr2253=)

Gene: ASH1L (ASH1 like histone lysine methyltransferase; minus strand). Cytogenetic location: 1q22.
Variant type: single nucleotide variant.
Coding change: c.6759T>C on transcript NM_018489.3 (MANE Select); coding-DNA position 6759, T replaced by C.
Protein change: p.Tyr2253=; no amino-acid change (tyrosine 2253 retained).
Molecular consequence: synonymous variant.
Genome position (GRCh38, 1-based): chr1:155,360,337, A>G on the plus strand (T>C on the coding strand, the complement: ASH1L is on the minus strand). VCF-style: chr1-155360337-A-G. GRCh37 (hg19) VCF-style: chr1-155330128-A-G.
Other names: c.6774T>C, p.Tyr2258= (NM_001366177.2).
Identifiers: ClinVar variation 3025974 (VCV003025974.22), dbSNP rs541952915, ClinGen allele CA1146266.
Genomic context (GRCh38, chr1:155,360,337, plus strand): 5'-CCCTCTAGGATTTATTATTCTTACCTGTTTTTCCACATTGAAGGAATGAAAGTTATAATC[A>G]TAAGTGAGTTCAGTCCCAGCTGGCATGTCTTTAAGAGCATAGAGTCCAATCCGGTATACT-3'
Protein context (NP_060959.2, residues 2243-2263): KDMPAGTELT[Tyr2253=]DYNFHSFNVE

ClinVar aggregate classification (germline): Likely benign (1 of 4 stars; one submission).

Allele frequency attached by ClinVar (database versions not stated): ExAC 0.00001; gnomAD exomes 0.00001; gnomAD 0.00002; TOPMed 0.00002; 1000 Genomes Project 30x 0.00016; 1000 Genomes Project 0.00020.
gnomAD v4.1: 18 of 1,613,652 alleles (0.0011%); highest among the groups gnomAD compares: East Asian, 0.0045%; no homozygotes.

Submission:

CeGaT Center for Human Genetics Tuebingen
Classification: Likely benign. Last evaluated: 2024-02-01. Review status: criteria provided, single submitter. Criteria: CeGaT Center For Human Genetics Tuebingen Variant Classification Criteria Version 2. Collection method: clinical testing. Allele origin: germline. Affected: yes. Observed: 1 variant allele.
Comment: ASH1L: BP4, BP7